The following is an entry in ClinVar:

ClinVar aggregate classification (germline): Uncertain significance (1 of 4 stars; one submission).

Conditions:
Inborn genetic diseases. Identifiers: MedGen C0950123, MeSH D030342.

Submission:

Ambry Genetics
Classification: Uncertain significance for Inborn genetic diseases. Last evaluated: 2026-01-27. Review status: criteria provided, single submitter. Criteria: Ambry Variant Classification Scheme 2023. Collection method: clinical testing. Allele origin: germline.
Comment: The c.2140_2141delCAinsTC (p.Q714S) alteration, located in exon 6 (coding exon 5) of the NLGN4X gene, consists of an in-frame substitution of 2 nucleotides from position 2140 to 2141, resulting in the substitution of the glutamine (Q) for a serine (S) residue at codon 714. This variant was not reported in population-based cohorts in the Genome Aggregation Database (gnomAD). This amino acid position is highly conserved in available vertebrate species. This variant is predicted to be neutral by in silico analysis (Choi, 2012). Based on insufficient or conflicting evidence, the clinical significance of this alteration remains unclear.

NM_181332.3(NLGN4X):c.2140_2141delinsTC (p.Gln714Ser)

Gene: NLGN4X (neuroligin 4 X-linked; minus strand). Cytogenetic location: Xp22.32.
Variant type: Indel.
Coding change: c.2140_2141delinsTC on transcript NM_181332.3 (MANE Select); coding-DNA positions 2140 to 2141, CA replaced by TC.
Protein change: p.Gln714Ser; replaces glutamine 714 with serine.
Molecular consequence: missense variant.
Genome position (GRCh38, 1-based): chrX:5,893,127-5,893,128, TG replaced by GA on the plus strand (CA replaced by TC on the coding strand, the reverse complement: NLGN4X is on the minus strand). VCF-style: chrX-5893127-TG-GA. GRCh37 (hg19) VCF-style: chrX-5811168-TG-GA.
Other names: c.2140_2141delinsTC, p.Gln714Ser (NM_001282145.2, NM_001282146.2, NM_001441322.1 and 4 more transcripts); short protein forms Q714S.
Identifiers: ClinVar variation 4839804 (VCV004839804.1).